The following is an entry in ClinVar:

ClinVar aggregate classification (germline): Uncertain significance. Review status: criteria provided, multiple submitters, no conflicts (2 of 4 stars). 2 submissions from 2 submitters: Uncertain significance (2). Last evaluated 2024-11-04.

Conditions:
Dilated cardiomyopathy 1DD (CMD1DD). Identifiers: Orphanet 154, MedGen C2750995, MONDO:0013168, OMIM 613172.
Cardiomyopathy (CMYO). Also called: Cardiomyopathies. Identifiers: Orphanet 167848, MedGen C0878544, MONDO:0004994, HP:0001638. Inheritance: Various modes of inheritance.

Allele frequency attached by ClinVar (database versions not stated): gnomAD exomes below 0.00001; TOPMed below 0.00001.
gnomAD v4.1: 2 of 1,551,592 alleles (0.00013%); highest among the groups gnomAD compares: Non-Finnish European, 0.00017%; no homozygotes.

Submissions (2):

Labcorp Genetics (formerly Invitae), Labcorp
Classification: Uncertain significance for Dilated cardiomyopathy 1DD. Last evaluated: 2024-11-04. Review status: criteria provided, single submitter. Criteria: Invitae Variant Classification Sherloc (09022015). Collection method: clinical testing. Allele origin: germline.
Comment: This sequence change replaces glutamic acid, which is acidic and polar, with glycine, which is neutral and non-polar, at codon 898 of the RBM20 protein (p.Glu898Gly). This variant is not present in population databases (gnomAD no frequency). This variant has not been reported in the literature in individuals affected with RBM20-related conditions. ClinVar contains an entry for this variant (Variation ID: 915717). Invitae Evidence Modeling of protein sequence and biophysical properties (such as structural, functional, and spatial information, amino acid conservation, physicochemical variation, residue mobility, and thermodynamic stability) indicates that this missense variant is not expected to disrupt RBM20 protein function with a negative predictive value of 95%. In summary, the available evidence is currently insufficient to determine the role of this variant in disease. Therefore, it has been classified as a Variant of Uncertain Significance.

CHEO Genetics Diagnostic Laboratory, Children's Hospital of Eastern Ontario
Classification: Uncertain significance for Cardiomyopathy. Last evaluated: 2019-03-18. Review status: criteria provided, single submitter. Criteria: ACMG Guidelines, 2015. Collection method: clinical testing. Allele origin: germline.

NM_001134363.3(RBM20):c.2693A>G (p.Glu898Gly)

Gene: RBM20 (RNA binding motif protein 20; plus strand). Cytogenetic location: 10q25.2.
Variant type: single nucleotide variant.
Coding change: c.2693A>G on transcript NM_001134363.3 (MANE Select); coding-DNA position 2693, A replaced by G.
Protein change: p.Glu898Gly; replaces glutamic acid 898 with glycine.
Molecular consequence: missense variant.
Genome position (GRCh38, 1-based): chr10:110,821,312, A>G. VCF-style: chr10-110821312-A-G. GRCh37 (hg19) VCF-style: chr10-112581070-A-G.
Other names: short protein forms E898G.
Identifiers: ClinVar variation 915717 (VCV000915717.4), dbSNP rs1313871510, ClinGen allele CA378377168.